The following is an entry in ClinVar:

NM_000492.4(CFTR):c.571T>G (p.Phe191Val)

Gene: CFTR (CF transmembrane conductance regulator; plus strand). Cytogenetic location: 7q31.2.
Variant type: single nucleotide variant.
Coding change: c.571T>G on transcript NM_000492.4 (MANE Select); coding-DNA position 571, T replaced by G.
Protein change: p.Phe191Val; replaces phenylalanine 191 with valine.
Molecular consequence: missense variant.
Genome position (GRCh38, 1-based): chr7:117,534,357, T>G. VCF-style: chr7-117534357-T-G. GRCh37 (hg19) VCF-style: chr7-117174411-T-G.
Other names: p.Phe191Val; short protein forms F191V.
Identifiers: ClinVar variation 495953 (VCV000495953.43), dbSNP rs141482808, ClinGen allele CA4450757.
Genomic context (GRCh38, chr7:117,534,357, plus strand): 5'-GTTCTAGATAAAATAAGTATTGGACAACTTGTTAGTCTCCTTTCCAACAACCTGAACAAA[T>G]TTGATGAAGTATGTACCTATTGATTTAATCTTTTAGGCACTATTGTTATAAATTATACAA-3'
Protein context (NP_000483.3, residues 181-201): VSLLSNNLNK[Phe191Val]DEGLALAHFV

ClinVar aggregate classification (germline): Pathogenic. Review status: reviewed by expert panel (3 of 4 stars). 19 submissions from 17 submitters: Pathogenic (1). 18 of the submissions do not count toward it. Last evaluated 2020-01-10.

Conditions:
Cystic fibrosis (CF). Also called: MUCOVISCIDOSIS. Identifiers: Orphanet 586, MedGen C0010674, MONDO:0009061, OMIM 219700. Disease mechanism: loss of function.
Congenital bilateral aplasia of vas deferens from CFTR mutation (CBAVD). Identifiers: Orphanet 48, MedGen C0403814, MONDO:0010178, OMIM 277180. Disease mechanism: loss of function.
Bronchiectasis with or without elevated sweat chloride 1 (BESC1). Also called: Cystic Fibrosis-Like Syndrome. Identifiers: Orphanet 60033, MedGen C2749757, MONDO:0008887, OMIM 211400.
CFTR-related disorder (CFTR-RD). Also called: CFTR-related condition; CFTR-related disorders. Identifiers: MedGen C5924204, MONDO:7770004.
Hereditary pancreatitis (PCTT). Also called: Hereditary chronic pancreatitis; PRSS1-Related Hereditary Pancreatitis. Identifiers: Orphanet 676, MedGen C0238339, MONDO:0008185, OMIM 167800.

Allele frequency attached by ClinVar (database versions not stated): ESP Exome Variant Server 0.00008; gnomAD exomes 0.00001; gnomAD 0.00006 and 0.00007; ExAC 0.00001; TOPMed 0.00012.
gnomAD v4.1: 28 of 1,536,306 alleles (0.0018%); highest among the groups gnomAD compares: African/African-American, 0.03%; no homozygotes.

Submissions 1 to 10 of 19:

CFTR2
Classification: Pathogenic for Cystic fibrosis. Last evaluated: 2020-01-10. Review status: reviewed by expert panel. Criteria: Submitter's publication and website. Collection method: research. Allele origin: germline. Affected: yes.

GeneDx
Classification: Likely pathogenic. Last evaluated: 2026-06-25. Review status: criteria provided, single submitter. Criteria: GeneDx Variant Classification Process June 2021. Collection method: clinical testing. Allele origin: germline. Not counted in ClinVar's aggregate classification.
Comment: Published functional studies suggest a damaging effect: decreased protein expression, reduced channel activity, and maturation rate (PMID: 38388235, 32265312); Observed in the homozygous state or with a second CFTR variant in patients with normal, borderline, and/or elevated sweat chloride test results and variable features of cystic fibrosis in the literature (PMID: 12167682, 18951463, 18500736, 32265312, 36751320); In silico analysis supports that this missense variant has a deleterious effect on protein structure/function; This variant is associated with the following publications: (PMID: 12167682, 26708955, 31845523, 32265312, 18951463, 36969284, 36751320, 34996830, 35527187, 34583889, 35451201, 18500736, 38388235, 39841779)

Dasa
Classification: Pathogenic. Last evaluated: 2026-03-13. Review status: criteria provided, single submitter. Criteria: DASA Assertion Criteria. Collection method: clinical testing. Allele origin: germline. Not counted in ClinVar's aggregate classification.
Comment: NM_000492.4(CFTR):c.571T>G (p.Phe191Val) is a missense variant that results in the substitution of phenylalanine with valine. This variant has been observed in affected individuals with related phenotype in a genotype context consistent with recessive disease (PMID: 18500736; PMID: 18951463; PMID: 12167682). This variant has been recurrently observed in individuals with related phenotype (PMID: 18500736; PMID: 18951463; PMID: 12167682). Multiple computational predictions support a deleterious effect on the gene or gene product. The variant is present at low frequency in population datasets. Based on the available data, this variant is classified as pathogenic.

Labcorp Genetics (formerly Invitae), Labcorp
Classification: Pathogenic for Cystic fibrosis. Last evaluated: 2026-01-28. Review status: criteria provided, single submitter. Criteria: Invitae Variant Classification Sherloc (09022015). Collection method: clinical testing. Allele origin: germline. Not counted in ClinVar's aggregate classification.
Comment: This sequence change replaces phenylalanine, which is neutral and non-polar, with valine, which is neutral and non-polar, at codon 191 of the CFTR protein (p.Phe191Val). This variant is present in population databases (rs141482808, gnomAD 0.01%). This missense change has been observed in individuals with clinical features of cystic fibrosis and may be associated with pancreatic sufficient atypical cystic fibrosis (PMID: 12167682, 18500736, 18951463, 26708955, 31845523, 32265312; internal data). ClinVar contains an entry for this variant (Variation ID: 495953). Invitae Evidence Modeling of protein sequence and biophysical properties (such as structural, functional, and spatial information, amino acid conservation, physicochemical variation, residue mobility, and thermodynamic stability) has been performed for this missense variant. However, the output from this modeling did not meet the statistical confidence thresholds required to predict the impact of this variant on CFTR protein function. Experimental studies have shown that this missense change affects CFTR function (PMID: 32265312). For these reasons, this variant has been classified as Pathogenic.

Natera, Inc.
Classification: Likely pathogenic for CFTR-related disorders. Last evaluated: 2025-10-08. Review status: criteria provided, single submitter. Criteria: Natera Variant Classification Schema (03/2026). Collection method: clinical testing. Allele origin: germline. Not counted in ClinVar's aggregate classification.
Comment: The c.571T>G variant in CFTR is a missense variant predicted to cause substitution of phenylalanine to valine at amino acid 191. This variant is rare in the general population with a frequency below the threshold expected for the associated phenotype(s). This variant has been observed in one or more individuals affected with the associated recessive disease, as either homozygous or compound heterozygous with a second variant (PMID: 18500736, 12167682, 34814176, 36751320, 32265312). Computational prediction algorithms indicate this variant is likely to affect gene or protein function. Given the available evidence, this variant is classified as Likely Pathogenic.

Ambry Genetics
Classification: Likely pathogenic for Cystic fibrosis. Last evaluated: 2025-02-13. Review status: criteria provided, single submitter. Criteria: Ambry Variant Classification Scheme 2023. Collection method: clinical testing. Allele origin: germline. Not counted in ClinVar's aggregate classification.
Comment: The p.F191V variant (also known as c.571T>G), located in coding exon 5 of the CFTR gene, results from a T to G substitution at nucleotide position 571. The phenylalanine at codon 191 is replaced by valine, an amino acid with highly similar properties. This alteration has been identified in multiple individuals diagnosed with non-classic cystic fibrosis in conjunction with other pathogenic mutations; however, the phase of these alterations was not provided (Groman JD et al. N. Engl. J. Med., 2002 Aug;347:401-7; McCravy MS et al. Eur Respir J, 2020 Jul;56:). This variant has been reported in multiple individuals with an elevated sweat chloride level in The Clinical and Functional TRanslation of CFTR (CFTR2) database (available at CFTR2. Accessed 02/13/2025). This variant has <10% of wild type quantity and function in The Clinical and Functional TRanslation of CFTR (CFTR2) database (available at CFTR2. Accessed 02/13/2025). This amino acid position is well conserved in available vertebrate species. In addition, this alteration is predicted to be deleterious by in silico analysis. Based on the majority of available evidence to date, this variant is likely to be pathogenic.

Women's Health and Genetics/Laboratory Corporation of America, LabCorp
Classification: Pathogenic for Cystic fibrosis. Last evaluated: 2024-11-25. Review status: criteria provided, single submitter. Criteria: LabCorp Variant Classification Summary - May 2015. Collection method: clinical testing. Allele origin: germline. Not counted in ClinVar's aggregate classification.
Comment: Variant summary: CFTR c.571T>G (p.Phe191Val) results in a non-conservative amino acid change located in the ABC transporter type 1, transmembrane domain of the encoded protein sequence. Four of five in-silico tools predict a damaging effect of the variant on protein function. The variant allele was found at a frequency of 1.2e-05 in 250352 control chromosomes. c.571T>G has been reported in the literature in individuals with features of cystic fibrosis in the presumed compound heterozygous state with other pathogenic variants (e.g. Groman_2002, Krasnov_2008, McCravy_2020, Gonska_2021, Cornet_2023). These data indicate that the variant is likely to be associated with disease. Experimental evidence evaluating an impact on protein function suggests the variant disrupts expression of the mature protein and ion transport, which can be corrected by drug treatment and results in approximately 4.58% of normal chloride channel conductance relative to wild type (McCravy_2020, Bihler_2024). The following publications have been ascertained in the context of this evaluation (PMID: 38388235, 36751320, 18500736, 34814176, 12167682, 18951463, 32265312, 31845523, 35527187, 34583889, 26708955). ClinVar contains an entry for this variant (Variation ID: 495953). Based on the evidence outlined above, the variant was classified as pathogenic.

Fulgent Genetics
Classification: Likely pathogenic for Hereditary pancreatitis; Bronchiectasis with or without elevated sweat chloride 1; Cystic fibrosis; Congenital bilateral aplasia of vas deferens from CFTR mutation. Last evaluated: 2024-04-13. Review status: criteria provided, single submitter. Criteria: ACMG Guidelines, 2015. Collection method: clinical testing. Allele origin: germline. Not counted in ClinVar's aggregate classification.

Baylor Genetics
Classification: Likely pathogenic for Bronchiectasis with or without elevated sweat chloride 1. Last evaluated: 2024-03-17. Review status: criteria provided, single submitter. Criteria: ACMG Guidelines, 2015. Collection method: clinical testing. Allele origin: unknown. Not counted in ClinVar's aggregate classification.

Mayo Clinic Laboratories, Mayo Clinic
Classification: Pathogenic. Last evaluated: 2022-08-03. Review status: criteria provided, single submitter. Criteria: ACMG Guidelines, 2015. Collection method: clinical testing. Allele origin: germline. Observed: 1 variant allele. Not counted in ClinVar's aggregate classification.
Comment: PP3, PM3_strong, PS3